The following is an entry in ClinVar:

ClinVar aggregate classification (germline): Uncertain significance (1 of 4 stars; one submission).

gnomAD v4.1: 1 of 1,614,204 alleles (0.000062%); highest among the groups gnomAD compares: Non-Finnish European, 0.000085%; no homozygotes.

Submission:

Labcorp Genetics (formerly Invitae), Labcorp
Classification: Uncertain significance. Last evaluated: 2023-11-21. Review status: criteria provided, single submitter. Criteria: Invitae Variant Classification Sherloc (09022015). Collection method: clinical testing. Allele origin: germline.
Comment: This sequence change replaces arginine, which is basic and polar, with leucine, which is neutral and non-polar, at codon 276 of the MCM2 protein (p.Arg276Leu). This variant is not present in population databases (gnomAD no frequency). This variant has not been reported in the literature in individuals affected with MCM2-related conditions. Advanced modeling of protein sequence and biophysical properties (such as structural, functional, and spatial information, amino acid conservation, physicochemical variation, residue mobility, and thermodynamic stability) has been performed at Invitae for this missense variant, however the output from this modeling did not meet the statistical confidence thresholds required to predict the impact of this variant on MCM2 protein function. In summary, the available evidence is currently insufficient to determine the role of this variant in disease. Therefore, it has been classified as a Variant of Uncertain Significance.

NM_004526.4(MCM2):c.827G>T (p.Arg276Leu)

Gene: MCM2 (minichromosome maintenance complex component 2; plus strand). Cytogenetic location: 3q21.3.
Variant type: single nucleotide variant.
Coding change: c.827G>T on transcript NM_004526.4 (MANE Select); coding-DNA position 827, G replaced by T.
Protein change: p.Arg276Leu; replaces arginine 276 with leucine.
Molecular consequence: missense variant. On other transcripts: non-coding transcript variant (1).
Genome position (GRCh38, 1-based): chr3:127,606,271, G>T. VCF-style: chr3-127606271-G-T. GRCh37 (hg19) VCF-style: chr3-127325114-G-T.
Other names: short protein forms R276L.
Identifiers: ClinVar variation 2804794 (VCV002804794.3), dbSNP rs567359279, ClinGen allele CA354384792.